The following is an entry in ClinVar:

ClinVar aggregate classification (germline): Uncertain significance (1 of 4 stars; one submission).

Conditions:
Hereditary cancer-predisposing syndrome. Also called: Neoplastic Syndromes, Hereditary; Tumor predisposition; Hereditary Cancer Syndrome; Hereditary neoplastic syndrome. Identifiers: Orphanet 140162, MedGen C0027672, MeSH D009386, MONDO:0015356.

gnomAD v4.1: 1 of 1,611,710 alleles (0.000062%); highest among the groups gnomAD compares: Non-Finnish European, 0.000085%; no homozygotes.

Submission:

Ambry Genetics
Classification: Uncertain significance for Hereditary cancer-predisposing syndrome. Last evaluated: 2025-12-29. Review status: criteria provided, single submitter. Criteria: Ambry Variant Classification Scheme 2023. Collection method: clinical testing. Allele origin: germline.
Comment: The p.D1754H variant (also known as c.5260G>C), located in coding exon 10 of the BRCA2 gene, results from a G to C substitution at nucleotide position 5260. The aspartic acid at codon 1754 is replaced by histidine, an amino acid with similar properties. This amino acid position is conserved. In addition, this alteration is predicted to be tolerated by in silico analysis. Based on the available evidence, the clinical significance of this variant remains unclear.

NM_000059.4(BRCA2):c.5260G>C (p.Asp1754His)

Gene: BRCA2 (BRCA2 DNA repair associated; plus strand). Cytogenetic location: 13q13.1.
Variant type: single nucleotide variant.
Coding change: c.5260G>C on transcript NM_000059.4 (MANE Select); coding-DNA position 5260, G replaced by C.
Protein change: p.Asp1754His; replaces aspartic acid 1754 with histidine.
Molecular consequence: missense variant. On other transcripts: non-coding transcript variant (1), intron variant (2).
Genome position (GRCh38, 1-based): chr13:32,339,615, G>C. VCF-style: chr13-32339615-G-C. GRCh37 (hg19) VCF-style: chr13-32913752-G-C.
Other names: c.5260G>C, p.Asp1754His (NM_001406719.1, NM_001406720.1, NM_001432077.1); c.1910-4943G>C (NM_001406721.1); c.425-4943G>C (NM_001406722.1); short protein forms D1754H.
Identifiers: ClinVar variation 4842975 (VCV004842975.1).
Genomic context (GRCh38, chr13:32,339,615, plus strand): 5'-GAAAAACAAGATACTTATTTAAGTAACAGTAGCATGTCTAACAGCTATTCCTACCATTCT[G>C]ATGAGGTATATAATGATTCAGGATATCTCTCAAAAAATAAACTTGATTCTGGTATTGAGC-3'
Protein context (NP_000050.3, residues 1744-1764): SMSNSYSYHS[Asp1754His]EVYNDSGYLS